The following is an entry in ClinVar:

ClinVar aggregate classification (germline): Conflicting classifications of pathogenicity. Review status: criteria provided, conflicting classifications (1 of 4 stars). 10 submissions from 10 submitters: Pathogenic (2); Likely pathogenic (5); Uncertain significance (3). Last evaluated 2025-01-07.

Conditions:
Neonatal encephalomyopathy-cardiomyopathy-respiratory distress syndrome. Also called: Coenzyme Q10 deficiency, primary, 7. Identifiers: Orphanet 457185, MedGen C5568562, MONDO:0014562, OMIM 616276.
Developmental disorder. Identifiers: MedGen C0008073.
Inborn genetic diseases. Identifiers: MedGen C0950123, MeSH D030342.
COQ4-related disorder. Also called: COQ4-related condition.

Allele frequency attached by ClinVar (database versions not stated): gnomAD 0.00001; gnomAD exomes 0.00001; TOPMed 0.00001; ExAC 0.00003.
gnomAD v4.1: 10 of 1,610,376 alleles (0.00062%); highest among the groups gnomAD compares: Non-Finnish European, 0.00076%; no homozygotes.

Submissions (10):

3billion
Classification: Likely pathogenic for Neonatal encephalomyopathy-cardiomyopathy-respiratory distress syndrome. Last evaluated: 2025-01-07. Review status: criteria provided, single submitter. Criteria: ACMG Guidelines, 2015. Collection method: clinical testing. Allele origin: germline. Affected: yes.
Comment: The variant is observed at an extremely low frequency in the gnomAD v4.1.0 dataset (total allele frequency: <0.001%). Predicted Consequence/Location: Missense variant In silico tool predictions suggest damaging effect of the variant on gene or gene product [REVEL: 0.54 (>=0.6, sensitivity 0.68 and specificity 0.92); 3Cnet: 0.86 (>=0.6, sensitivity 0.72 and precision 0.9)]. The same nucleotide change resulting in the same amino acid change has been previously reported as pathogenic/likely pathogenic with strong evidence (ClinVar ID: VCV000915327 /PMID: 32056211). Therefore, this variant is classified as Likely pathogenic according to the recommendation of ACMG/AMP guideline.

Women's Health and Genetics/Laboratory Corporation of America, LabCorp
Classification: Pathogenic for Neonatal encephalomyopathy-cardiomyopathy-respiratory distress syndrome. Last evaluated: 2024-12-17. Review status: criteria provided, single submitter. Criteria: LabCorp Variant Classification Summary - May 2015. Collection method: clinical testing. Allele origin: germline.
Comment: Variant summary: COQ4 c.458C>T (p.Ala153Val) results in a non-conservative amino acid change in the encoded protein sequence. Four of five in-silico tools predict a damaging effect of the variant on protein function. The variant allele was found at a frequency of 8.2e-06 in 243820 control chromosomes. c.458C>T has been reported in the literature in multiple individuals affected with Coenzyme Q10 deficiency (example, Froukh_2020, Laugwitz_2021, Taskiran_2021, Yuksel_2024). These data indicate that the variant is very likely to be associated with disease. To our knowledge, no experimental evidence demonstrating an impact on protein function has been reported. The following publications have been ascertained in the context of this evaluation (PMID: 32056211, 34656997, 33739554, 38493042). ClinVar contains an entry for this variant (Variation ID: 915327). Based on the evidence outlined above, the variant was classified as pathogenic.

GeneDx
Classification: Likely pathogenic. Last evaluated: 2024-02-12. Review status: criteria provided, single submitter. Criteria: GeneDx Variant Classification Process June 2021. Collection method: clinical testing. Allele origin: germline. Affected: yes.
Comment: Not observed at significant frequency in large population cohorts (gnomAD); In silico analysis supports that this missense variant has a deleterious effect on protein structure/function; This variant is associated with the following publications: (PMID: 34426522, 32056211, 33739554, 34656997)

Blueprint Genetics
Classification: Likely pathogenic for COQ4-related disorders. Last evaluated: 2023-08-10. Review status: criteria provided, single submitter. Criteria: ACMG Guidelines, 2015. Collection method: clinical testing. Allele origin: germline. Affected: yes. Observed: 2 variant alleles.

Department of Genetics, Rouen University Hospital, Normandy Center for Genomic and Personalized Medicine
Classification: Likely pathogenic for Developmental disorder. Last evaluated: 2022-08-11. Review status: criteria provided, single submitter. Criteria: ACMG Guidelines, 2015. Collection method: clinical testing. Allele origin: maternal. Affected: yes.

Ambry Genetics
Classification: Uncertain significance for Inborn genetic diseases. Last evaluated: 2021-10-07. Review status: criteria provided, single submitter. Criteria: Ambry Variant Classification Scheme 2023. Collection method: clinical testing. Allele origin: germline.

Institute of Medical Genetics and Applied Genomics, University Hospital Tübingen
Classification: Likely pathogenic. Last evaluated: 2020-10-23. Review status: criteria provided, single submitter. Criteria: ACMG Guidelines, 2015. Collection method: clinical testing. Allele origin: germline. Inheritance: Autosomal recessive inheritance. Affected: yes.

Baylor Genetics
Classification: Pathogenic for Neonatal encephalomyopathy-cardiomyopathy-respiratory distress syndrome. Last evaluated: 2020-09-02. Review status: criteria provided, single submitter. Criteria: ACMG Guidelines, 2015. Collection method: clinical testing. Allele origin: unknown. Affected: yes.
Comment: This variant was determined to be pathogenic according to ACMG Guidelines, 2015 [PMID:25741868].

Genomic Research Center, Shahid Beheshti University of Medical Sciences
Classification: Uncertain significance for Neonatal encephalomyopathy-cardiomyopathy-respiratory distress syndrome. Last evaluated: 2020-05-03. Review status: criteria provided, single submitter. Criteria: ACMG Guidelines, 2015. Collection method: clinical testing. Allele origin: unknown. Affected: yes.

CENTOGENE GmbH and LLC - Guiding Precision Medicine
Classification: Uncertain significance for Neonatal encephalomyopathy-cardiomyopathy-respiratory distress syndrome. Last evaluated: 2019-05-14. Review status: criteria provided, single submitter. Criteria: ACMG Guidelines, 2015. Collection method: clinical testing. Allele origin: germline. Affected: no.

Literature cited by the submitters: PubMed 32056211 (cited by 3 submitters); PubMed 34656997 (cited by Women's Health and Genetics/Laboratory Corporation of America, LabCorp); PubMed 33739554 (cited by Women's Health and Genetics/Laboratory Corporation of America, LabCorp); PubMed 38493042 (cited by Women's Health and Genetics/Laboratory Corporation of America, LabCorp).

NM_016035.5(COQ4):c.458C>T (p.Ala153Val)

Gene: COQ4 (coenzyme Q4; plus strand). Cytogenetic location: 9q34.11.
Variant type: single nucleotide variant.
Coding change: c.458C>T on transcript NM_016035.5 (MANE Select); coding-DNA position 458, C replaced by T.
Protein change: p.Ala153Val; replaces alanine 153 with valine.
Molecular consequence: missense variant. On other transcripts: intron variant (1).
Genome position (GRCh38, 1-based): chr9:128,332,208, C>T. VCF-style: chr9-128332208-C-T. GRCh37 (hg19) VCF-style: chr9-131094487-C-T.
Other names: c.458C>T (NM_016035.4); c.*3-1266C>T (NM_001305942.2); short protein forms A153V.
Identifiers: ClinVar variation 915327 (VCV000915327.15), dbSNP rs757173567, ClinGen allele CA5260583.